The following is an entry in ClinVar:

ClinVar aggregate classification (germline): Likely benign. Review status: criteria provided, multiple submitters, no conflicts (2 of 4 stars). 3 submissions from 3 submitters: Likely benign (2). 1 of the submissions does not count toward it. Last evaluated 2025-12-15.

Conditions:
DCHS1-related disorder. Also called: DCHS1-related condition.

Allele frequency attached by ClinVar (database versions not stated): TOPMed 0.00005; gnomAD exomes 0.00006 and 0.00017; gnomAD 0.00007; ESP Exome Variant Server 0.00015; 1000 Genomes Project 30x 0.00016; 1000 Genomes Project 0.00020; ExAC 0.00028.
gnomAD v4.1: 93 of 1,603,396 alleles (0.0058%); highest among the groups gnomAD compares: Admixed American, 0.01%; no homozygotes.

Submissions (3):

Labcorp Genetics (formerly Invitae), Labcorp
Classification: Likely benign. Last evaluated: 2025-12-15. Review status: criteria provided, single submitter. Criteria: Invitae Variant Classification Sherloc (09022015). Collection method: clinical testing. Allele origin: germline.

CeGaT Center for Human Genetics Tuebingen
Classification: Likely benign. Last evaluated: 2024-11-01. Review status: criteria provided, single submitter. Criteria: CeGaT Center For Human Genetics Tuebingen Variant Classification Criteria Version 2. Collection method: clinical testing. Allele origin: germline. Affected: yes. Observed: 2 variant alleles.
Comment: DCHS1: BP4, BP7

PreventionGenetics, part of Exact Sciences
Classification: Likely benign for DCHS1-related condition. Last evaluated: 2019-11-05. Review status: no assertion criteria provided. Collection method: clinical testing. Allele origin: germline. Not counted in ClinVar's aggregate classification.
Comment: This variant is classified as likely benign based on ACMG/AMP sequence variant interpretation guidelines (Richards et al. 2015 PMID: 25741868, with internal and published modifications).

NM_003737.4(DCHS1):c.6921C>T (p.Pro2307=)

Gene: DCHS1 (dachsous cadherin-related 1; minus strand). Cytogenetic location: 11p15.4.
Variant type: single nucleotide variant.
Coding change: c.6921C>T on transcript NM_003737.4 (MANE Select); coding-DNA position 6921, C replaced by T.
Protein change: p.Pro2307=; no amino-acid change (proline 2307 retained).
Molecular consequence: synonymous variant.
Genome position (GRCh38, 1-based): chr11:6,625,423, G>A on the plus strand (C>T on the coding strand, the complement: DCHS1 is on the minus strand). VCF-style: chr11-6625423-G-A. GRCh37 (hg19) VCF-style: chr11-6646654-G-A.
Other names: c.6921C>T (NM_003737.3).
Identifiers: ClinVar variation 1604446 (VCV001604446.32), dbSNP rs146255712, ClinGen allele CA5859731.